The following is an entry in ClinVar:

NM_002109.6(HARS1):c.1004T>C (p.Ile335Thr)

Gene: HARS1 (histidyl-tRNA synthetase 1; minus strand). Cytogenetic location: 5q31.3.
Variant type: single nucleotide variant.
Coding change: c.1004T>C on transcript NM_002109.6 (MANE Select); coding-DNA position 1004, T replaced by C.
Protein change: p.Ile335Thr; replaces isoleucine 335 with threonine.
Molecular consequence: missense variant.
Genome position (GRCh38, 1-based): chr5:140,676,844, A>G on the plus strand (T>C on the coding strand, the complement: HARS1 is on the minus strand). VCF-style: chr5-140676844-A-G. GRCh37 (hg19) VCF-style: chr5-140056429-A-G.
Other names: c.884T>C, p.Ile295Thr (NM_001258040.3); c.944T>C, p.Ile315Thr (NM_001258041.3); c.824T>C, p.Ile275Thr (NM_001258042.3); c.782T>C, p.Ile261Thr (NM_001289092.2); c.662T>C, p.Ile221Thr (NM_001289093.2); c.917T>C, p.Ile306Thr (NM_001289094.2); short protein forms I261T, I315T, I295T, I335T, I221T, I275T, I306T.
Identifiers: ClinVar variation 3704390 (VCV003704390.2).
Genomic context (GRCh38, chr5:140,676,844, plus strand): 5'-CCCACACCCAGGGGCTCTTCCCCTGCCTGGGCTGGGGTCTGTAGCAGCACTGCCTCATAG[A>G]TCACCCCAGTGTAGTAATCCAGCCCTCGAGCAAGGCTCAGGTCAAAGGAGATCTGTGGAG-3'
Protein context (NP_002100.2, residues 325-345): ARGLDYYTGV[Ile335Thr]YEAVLLQTPA

ClinVar aggregate classification (germline): Uncertain significance (1 of 4 stars; one submission).

Conditions:
Usher syndrome type 3B. Also called: USHER SYNDROME, TYPE IIIB. Identifiers: MedGen C3281066, MONDO:0013788, OMIM 614504.

Submission:

Labcorp Genetics (formerly Invitae), Labcorp
Classification: Uncertain significance for Usher syndrome type 3B. Last evaluated: 2024-05-06. Review status: criteria provided, single submitter. Criteria: Invitae Variant Classification Sherloc (09022015). Collection method: clinical testing. Allele origin: germline.
Comment: This sequence change replaces isoleucine, which is neutral and non-polar, with threonine, which is neutral and polar, at codon 335 of the HARS protein (p.Ile335Thr). This variant is not present in population databases (gnomAD no frequency). This missense change has been observed in individual(s) with hereditary motor and sensory neuropathy (PMID: 28708278). Advanced modeling of protein sequence and biophysical properties (such as structural, functional, and spatial information, amino acid conservation, physicochemical variation, residue mobility, and thermodynamic stability) performed at Invitae indicates that this missense variant is expected to disrupt HARS protein function with a positive predictive value of 80%. In summary, the available evidence is currently insufficient to determine the role of this variant in disease. Therefore, it has been classified as a Variant of Uncertain Significance.

Literature cited by the submitters: PubMed 28708278.